The following is an entry in ClinVar:

ClinVar aggregate classification (germline): Uncertain significance (1 of 4 stars; one submission).

Conditions:
Joubert syndrome 25 (JBTS25). Identifiers: Orphanet 475, MedGen C4084842, MONDO:0014770, OMIM 616781.

gnomAD v4.1: 76 of 1,614,072 alleles (0.0047%); highest among the groups gnomAD compares: Non-Finnish European, 0.00017%; 1 homozygote.

Submission:

Labcorp Genetics (formerly Invitae), Labcorp
Classification: Uncertain significance for Joubert syndrome 25. Last evaluated: 2025-01-01. Review status: criteria provided, single submitter. Criteria: Invitae Variant Classification Sherloc (09022015). Collection method: clinical testing. Allele origin: germline.
Comment: This sequence change replaces threonine, which is neutral and polar, with isoleucine, which is neutral and non-polar, at codon 663 of the CEP104 protein (p.Thr663Ile). This variant is present in population databases (rs772971260, gnomAD 0.1%). This variant has not been reported in the literature in individuals affected with CEP104-related conditions. An algorithm developed to predict the effect of missense changes on protein structure and function (PolyPhen-2) suggests that this variant is likely to be tolerated. In summary, the available evidence is currently insufficient to determine the role of this variant in disease. Therefore, it has been classified as a Variant of Uncertain Significance.

NM_014704.4(CEP104):c.1988C>T (p.Thr663Ile)

Genes: CEP104 (centrosomal protein 104; minus strand), LOC126805586 (CDK7 strongly-dependent group 2 enhancer GRCh37_chr1:3745882-3747081; plus strand). Cytogenetic location: 1p36.32.
Variant type: single nucleotide variant.
Coding change: c.1988C>T on transcript NM_014704.4 (MANE Select); coding-DNA position 1988, C replaced by T.
Protein change: p.Thr663Ile; replaces threonine 663 with isoleucine.
Molecular consequence: missense variant.
Genome position (GRCh38, 1-based): chr1:3,829,846, G>A on the plus strand (C>T on the coding strand, the complement: CEP104 is on the minus strand). VCF-style: chr1-3829846-G-A. GRCh37 (hg19) VCF-style: chr1-3746410-G-A.
Other names: short protein forms T663I.
Identifiers: ClinVar variation 3618713 (VCV003618713.2).